The following is an entry in ClinVar:

ClinVar aggregate classification (germline): Pathogenic (1 of 4 stars; one submission).

Conditions:
Capillary malformation-arteriovenous malformation syndrome. Also called: Capillary malformation-arteriovenous malformation. Identifiers: Orphanet 137667, MedGen C1842180, MONDO:0012016.

Submission:

Labcorp Genetics (formerly Invitae), Labcorp
Classification: Pathogenic for Capillary malformation-arteriovenous malformation syndrome. Last evaluated: 2024-09-17. Review status: criteria provided, single submitter. Criteria: Invitae Variant Classification Sherloc (09022015). Collection method: clinical testing. Allele origin: germline.
Comment: This sequence change creates a premature translational stop signal (p.Glu688*) in the RASA1 gene. It is expected to result in an absent or disrupted protein product. Loss-of-function variants in RASA1 are known to be pathogenic (PMID: 24038909). This variant is not present in population databases (gnomAD no frequency). This variant has not been reported in the literature in individuals affected with RASA1-related conditions. For these reasons, this variant has been classified as Pathogenic.

Literature cited by the submitters: PubMed 24038909.

NM_002890.3(RASA1):c.2062G>T (p.Glu688Ter)

Genes: CCNH (cyclin H; minus strand), RASA1 (RAS p21 protein activator 1; plus strand). Cytogenetic location: 5q14.3.
Variant type: single nucleotide variant.
Coding change: c.2062G>T on transcript NM_002890.3 (MANE Select); coding-DNA position 2062, G replaced by T.
Protein change: p.Glu688Ter; replaces glutamic acid 688 with a stop codon.
Molecular consequence: nonsense. On other transcripts: intron variant (1).
Genome position (GRCh38, 1-based): chr5:87,376,443, G>T. VCF-style: chr5-87376443-G-T. GRCh37 (hg19) VCF-style: chr5-86672260-G-T.
Other names: c.1531G>T, p.Glu511Ter (NM_022650.3); c.933+18601C>A (NM_001364075.2); short protein forms E511*, E688*.
Identifiers: ClinVar variation 3717711 (VCV003717711.2).
Genomic context (GRCh38, chr5:87,376,443, plus strand): 5'-TCTTCCCAAGTATTTATGCGCTGCCAGTTGAGCCGATTACAGAAAGGGCATGCCACAGAT[G>T]AATGGTTTCTGCTCAGCTCCCATATACCATTAAAAGGTATTGAACCAGGGTCCCTGCGTG-3'